The following is an entry in ClinVar:

ClinVar aggregate classification (germline): Uncertain significance (1 of 4 stars; one submission).

Conditions:
Deficiency of ferroxidase (ACEP). Also called: Deficiency of ceruloplasmin; Ceruloplasmin deficiency; Familial apoceruloplasmin deficiency; Hereditary ceruloplasmin deficiency; Aceruloplasminemia; NEURODEGENERATION WITH BRAIN IRON ACCUMULATION 10. Identifiers: Orphanet 48818, MedGen C0878682, MONDO:0011426, OMIM 604290, HP:0025498.

Allele frequency attached by ClinVar (database versions not stated): gnomAD exomes below 0.00001 and 0.00001; gnomAD 0.00001.
gnomAD v4.1: 11 of 1,613,444 alleles (0.00068%); highest among the groups gnomAD compares: Non-Finnish European, 0.00085%; no homozygotes.

Submission:

Labcorp Genetics (formerly Invitae), Labcorp
Classification: Uncertain significance for Deficiency of ferroxidase. Last evaluated: 2020-08-22. Review status: criteria provided, single submitter. Criteria: Invitae Variant Classification Sherloc (09022015). Collection method: clinical testing. Allele origin: germline.
Comment: In summary, the available evidence is currently insufficient to determine the role of this variant in disease. Therefore, it has been classified as a Variant of Uncertain Significance. Advanced modeling of protein sequence and biophysical properties (such as structural, functional, and spatial information, amino acid conservation, physicochemical variation, residue mobility, and thermodynamic stability) performed at Invitae indicates that this missense variant is expected to disrupt CP protein function. This variant has not been reported in the literature in individuals with CP-related conditions. This variant is not present in population databases (ExAC no frequency). This sequence change replaces glycine with alanine at codon 1034 of the CP protein (p.Gly1034Ala). The glycine residue is highly conserved and there is a small physicochemical difference between glycine and alanine.

NM_000096.4(CP):c.3101G>C (p.Gly1034Ala)

Gene: CP (ceruloplasmin; minus strand). Cytogenetic location: 3q24.
Variant type: single nucleotide variant.
Coding change: c.3101G>C on transcript NM_000096.4 (MANE Select); coding-DNA position 3101, G replaced by C.
Protein change: p.Gly1034Ala; replaces glycine 1034 with alanine.
Molecular consequence: missense variant.
Genome position (GRCh38, 1-based): chr3:149,176,330, C>G on the plus strand (G>C on the coding strand, the complement: CP is on the minus strand). VCF-style: chr3-149176330-C-G. GRCh37 (hg19) VCF-style: chr3-148894117-C-G.
Other names: short protein forms G1034A.
Identifiers: ClinVar variation 1036154 (VCV001036154.8), dbSNP rs1234930172, ClinGen allele CA354928496.